The following is an entry in ClinVar:

NM_001164508.2(NEB):c.24487-1G>A

Genes: NEB (nebulin; minus strand), RIF1 (replication timing regulatory factor 1; plus strand). Cytogenetic location: 2q23.3.
Variant type: single nucleotide variant.
Coding change: c.24487-1G>A on transcript NM_001164508.2 (MANE Select); the canonical splice acceptor site of the intron before coding-DNA position 24487, G replaced by A.
Molecular consequence: splice acceptor variant.
Genome position (GRCh38, 1-based): chr2:151,494,254, C>T on the plus strand (G>A on the coding strand, the complement: NEB is on the minus strand). VCF-style: chr2-151494254-C-T. GRCh37 (hg19) VCF-style: chr2-152350768-C-T.
Other names: c.18919-1G>A (NM_004543.5); c.24487-1G>A (NM_001164507.2); c.24592-1G>A (NM_001271208.2).
Identifiers: ClinVar variation 2095808 (VCV002095808.4), dbSNP rs2551741314, ClinGen allele CA348777127.
Genomic context (GRCh38, chr2:151,494,254, plus strand): 5'-CTGCATCTCAGGAGTGACAGGGGTTGCGGTGGCTTTCCCCACATTTTCTTTGTACAAAAC[C>T]TATGGGAATCCAATGGGTCCAAAAAGCCAAAAAGAAAAAGAGTTAACAGTTACCAAAAAA-3'

ClinVar aggregate classification (germline): Likely pathogenic (1 of 4 stars; one submission).

Conditions:
Nemaline myopathy 2 (NEM2). Also called: Nemaline myopathy 2, autosomal recessive. Identifiers: MedGen C1850569, MONDO:0009725, OMIM 256030.

gnomAD v4.1: 1 of 1,587,400 alleles (0.000063%); highest among the groups gnomAD compares: Non-Finnish European, 0.000086%; no homozygotes.

Submission:

Labcorp Genetics (formerly Invitae), Labcorp
Classification: Likely pathogenic for Nemaline myopathy 2. Last evaluated: 2022-02-09. Review status: criteria provided, single submitter. Criteria: Invitae Variant Classification Sherloc (09022015). Collection method: clinical testing. Allele origin: germline.
Comment: In summary, the currently available evidence indicates that the variant is pathogenic, but additional data are needed to prove that conclusively. Therefore, this variant has been classified as Likely Pathogenic. Algorithms developed to predict the effect of sequence changes on RNA splicing suggest that this variant may disrupt the consensus splice site. This variant has not been reported in the literature in individuals affected with NEB-related conditions. This variant is not present in population databases (gnomAD no frequency). This sequence change affects an acceptor splice site in intron 174 of the NEB gene. It is expected to disrupt RNA splicing. Variants that disrupt the donor or acceptor splice site typically lead to a loss of protein function (PMID: 16199547), and loss-of-function variants in NEB are known to be pathogenic (PMID: 25205138).

Literature cited by the submitters: PubMed 16199547; PubMed 25205138.